The following is an entry in ClinVar:

NM_001365276.2(TNXB):c.6131G>T (p.Gly2044Val)

Gene: TNXB (tenascin XB; minus strand). Cytogenetic location: 6p21.33.
Variant type: single nucleotide variant.
Coding change: c.6131G>T on transcript NM_001365276.2 (MANE Select); coding-DNA position 6131, G replaced by T.
Protein change: p.Gly2044Val; replaces glycine 2044 with valine.
Molecular consequence: missense variant.
Genome position (GRCh38, 1-based): chr6:32,068,479, C>A on the plus strand (G>T on the coding strand, the complement: TNXB is on the minus strand). VCF-style: chr6-32068479-C-A. GRCh37 (hg19) VCF-style: chr6-32036256-C-A.
Other names: c.6131G>T, p.Gly2044Val (NM_019105.8); short protein forms G2044V.
Identifiers: ClinVar variation 1751798 (VCV001751798.2), dbSNP rs1778537334, ClinGen allele CA363402953.

ClinVar aggregate classification (germline): Uncertain significance (1 of 4 stars; one submission).

Conditions:
Cardiovascular phenotype. Identifiers: MedGen CN230736.

Allele frequency attached by ClinVar (database versions not stated): gnomAD exomes below 0.00001; TOPMed below 0.00001.
gnomAD v4.1: 1 of 1,613,888 alleles (0.000062%); highest among the groups gnomAD compares: East Asian, 0.0022%; no homozygotes.

Submission:

Ambry Genetics
Classification: Uncertain significance for Cardiovascular phenotype. Last evaluated: 2023-12-30. Review status: criteria provided, single submitter. Criteria: Ambry Variant Classification Scheme 2023. Collection method: clinical testing. Allele origin: germline.
Comment: The p.G2044V variant (also known as c.6131G>T), located in coding exon 16 of the TNXB gene, results from a G to T substitution at nucleotide position 6131. The glycine at codon 2044 is replaced by valine, an amino acid with dissimilar properties. This amino acid position is conserved. In addition, this alteration is predicted to be tolerated by in silico analysis. Since supporting evidence is limited at this time, the clinical significance of this alteration remains unclear.